The following is an entry in ClinVar:

NM_001127511.3(APC):c.165+26227C>A

Gene: APC (APC regulator of Wnt signaling pathway; plus strand). Cytogenetic location: 5q22.2.
Variant type: single nucleotide variant.
Coding change: c.165+26227C>A on transcript NM_001127511.3; 26227 bases into the intron after coding-DNA position 165, C replaced by A.
Molecular consequence: intron variant.
Genome position (GRCh38, 1-based): chr5:112,734,109, C>A. VCF-style: chr5-112734109-C-A. GRCh37 (hg19) VCF-style: chr5-112069806-C-A.
Other names: c.-18-20764C>A (NM_001407450.1, NM_001407457.1, NM_001407458.1 and 7 more transcripts); c.-43+26460C>A (NM_001407453.1); c.-1053-20764C>A (NM_001407470.1, NM_001407472.1); c.165+26227C>A (NM_001407446.1, NM_001354897.2, NM_001354902.2).
Identifiers: ClinVar variation 82312 (VCV000082312.4), dbSNP rs77145786, ClinGen allele CA023583.
Genomic context (GRCh38, chr5:112,734,109, plus strand): 5'-CCTGTGTGGCTGCTCACGTCTGTAATCACAGCACCTTGCGAGGCCAAGGCAGGAGGATCA[C>A]CTGAGGTTAGGAGTTCGAGGTTACAGGGAGCTGTGCTTATGCCACTGCACTCCAGCCTGG-3'

ClinVar aggregate classification (germline): other (0 of 4 stars; one submission).

Conditions:
Familial colorectal cancer. Identifiers: MedGen CN280943, MONDO:0023113. Disease mechanism: loss of function.

Submission:

Systems Biology Platform Zhejiang California International NanoSystems Institute
Classification: other for Familial colorectal cancer. Review status: no assertion criteria provided. Collection method: not provided. Allele origin: unknown.
ClinVar note: Converted during submission from cancer to other.